The following is an entry in ClinVar:

ClinVar aggregate classification (germline): Uncertain significance (1 of 4 stars; one submission).

Conditions:
Hereditary spastic paraplegia 39 (SPG39). Also called: SPASTIC PARAPLEGIA 39, AUTOSOMAL RECESSIVE; Spastic Paraplegia Type 39 (SPG39). Identifiers: Orphanet 139480, MedGen C2677586, MONDO:0012787, OMIM 612020.

gnomAD v4.1: 6 of 1,613,654 alleles (0.00037%); highest among the groups gnomAD compares: Admixed American, 0.005%; no homozygotes.

Submission:

Labcorp Genetics (formerly Invitae), Labcorp
Classification: Uncertain significance for Hereditary spastic paraplegia 39. Last evaluated: 2022-07-12. Review status: criteria provided, single submitter. Criteria: Invitae Variant Classification Sherloc (09022015). Collection method: clinical testing. Allele origin: germline.
Comment: In summary, the available evidence is currently insufficient to determine the role of this variant in disease. Therefore, it has been classified as a Variant of Uncertain Significance. Algorithms developed to predict the effect of missense changes on protein structure and function are either unavailable or do not agree on the potential impact of this missense change (SIFT: "Deleterious"; PolyPhen-2: "Possibly Damaging"; Align-GVGD: "Class C0"). This sequence change replaces arginine, which is basic and polar, with tryptophan, which is neutral and slightly polar, at codon 469 of the PNPLA6 protein (p.Arg469Trp). This variant is present in population databases (rs777484615, gnomAD 0.009%). This variant has not been reported in the literature in individuals affected with PNPLA6-related conditions. ClinVar contains an entry for this variant (Variation ID: 409995).

NM_001166114.2(PNPLA6):c.1522C>T (p.Arg508Trp)

Gene: PNPLA6 (patatin like domain 6, lysophospholipase; plus strand). Cytogenetic location: 19p13.2.
Variant type: single nucleotide variant.
Coding change: c.1522C>T on transcript NM_001166114.2 (MANE Select); coding-DNA position 1522, C replaced by T.
Protein change: p.Arg508Trp; replaces arginine 508 with tryptophan.
Molecular consequence: missense variant.
Genome position (GRCh38, 1-based): chr19:7,542,920, C>T. VCF-style: chr19-7542920-C-T. GRCh37 (hg19) VCF-style: chr19-7607806-C-T.
Other names: c.1549C>T, p.Arg517Trp (NM_001166111.2); c.1405C>T, p.Arg469Trp (NM_001166112.2, NM_001166113.1, NM_006702.5); short protein forms R469W, R508W, R517W.
Identifiers: ClinVar variation 409995 (VCV000409995.9), dbSNP rs777484615, ClinGen allele CA9139831.